The following is an entry in ClinVar:

ClinVar aggregate classification (germline): Pathogenic (1 of 4 stars; one submission).

Submission:

Labcorp Genetics (formerly Invitae), Labcorp
Classification: Pathogenic. Last evaluated: 2022-12-07. Review status: criteria provided, single submitter. Criteria: Invitae Variant Classification Sherloc (09022015). Collection method: clinical testing. Allele origin: germline.
Comment: For these reasons, this variant has been classified as Pathogenic. This variant has not been reported in the literature in individuals affected with GNPTG-related conditions. This variant is not present in population databases (gnomAD no frequency). This sequence change creates a premature translational stop signal (p.Phe213Alafs*3) in the GNPTG gene. It is expected to result in an absent or disrupted protein product. Loss-of-function variants in GNPTG are known to be pathogenic (PMID: 19370764, 20301784).

Literature cited by the submitters: PubMed 19370764; PubMed 20301784.

NM_032520.5(GNPTG):c.636_648del (p.Phe213fs)

Gene: GNPTG (N-acetylglucosamine-1-phosphate transferase subunit gamma; plus strand). Cytogenetic location: 16p13.3.
Variant type: Deletion.
Coding change: c.636_648del on transcript NM_032520.5 (MANE Select); coding-DNA positions 636 to 648, 13 bases deleted (TTTTGAGGATGCT).
Protein change: p.Phe213fs; shifts the reading frame from phenylalanine 213.
Molecular consequence: frameshift variant.
Genome position (GRCh38, 1-based): chr16:1,362,637-1,362,649, TTTTGAGGATGCT deleted; deleting any 13 consecutive bases within chr16:1,362,635-1,362,649 gives the same sequence; the c. name uses the placement nearest the transcript's 3' end. VCF-style (leftmost placement, unchanged base first): chr16-1362634-ACTTTTTGAGGATG-A. GRCh37 (hg19) VCF-style: chr16-1412635-ACTTTTTGAGGATG-A.
Other names: short protein forms F213fs.
Identifiers: ClinVar variation 2819050 (VCV002819050.3), dbSNP rs2548190655, ClinGen allele CA2739269831.